The following is an entry in ClinVar:

ClinVar aggregate classification (germline): Pathogenic (1 of 4 stars; one submission).

Conditions:
Alagille syndrome due to a JAG1 point mutation. Also called: Alagille Syndrome 1; HEPATIC DUCTULAR HYPOPLASIA, SYNDROMATIC; JAG1-Related Alagille Syndrome. Identifiers: Orphanet 261619, Orphanet 52, MedGen C1956125, MONDO:0016862, OMIM 118450.

Submission:

Labcorp Genetics (formerly Invitae), Labcorp
Classification: Pathogenic for Alagille syndrome due to a JAG1 point mutation. Last evaluated: 2019-06-13. Review status: criteria provided, single submitter. Criteria: Invitae Variant Classification Sherloc (09022015). Collection method: clinical testing. Allele origin: germline.
Comment: This sequence change replaces valine with leucine at codon 574 of the JAG1 protein (p.Val574Leu). The valine residue is highly conserved and there is a small physicochemical difference between valine and leucine. This variant also falls at the last nucleotide of exon 13 of the JAG1 coding sequence, which is part of the consensus splice site for this exon. This variant is not present in population databases (ExAC no frequency). Algorithms developed to predict the effect of missense changes on protein structure and function (SIFT, PolyPhen-2, Align-GVGD) all suggest that this variant is likely to be disruptive, but these predictions have not been confirmed by published functional studies and their clinical significance is uncertain. Nucleotide substitutions within the consensus splice site are a relatively common cause of aberrant splicing (PMID: 17576681, 9536098). Algorithms developed to predict the effect of sequence changes on RNA splicing suggest that this variant may disrupt the consensus splice site, but this prediction has not been confirmed by published transcriptional studies. A different variant (c.1720G>C) giving rise to the same protein effect observed here (p.Val574Leu) has been determined to be pathogenic (PMID: 17949281). This suggests that this variant is also likely to be causative of disease. A different variant affecting this nucleotide (c.1720G>A) has been determined to be pathogenic (PMID: 27256232). Further suggesting that this nucleotide is important for normal RNA splicing, and that other variants at this position may also be pathogenic. For these reasons, this variant has been classified as Pathogenic.

Literature cited by the submitters: PubMed 17576681; PubMed 9536098; PubMed 17949281; PubMed 27256232.

NM_000214.3(JAG1):c.1720G>T (p.Val574Leu)

Gene: JAG1 (jagged canonical Notch ligand 1; minus strand). Cytogenetic location: 20p12.2.
Variant type: single nucleotide variant.
Coding change: c.1720G>T on transcript NM_000214.3 (MANE Select); coding-DNA position 1720, G replaced by T.
Protein change: p.Val574Leu; replaces valine 574 with leucine.
Molecular consequence: missense variant.
Genome position (GRCh38, 1-based): chr20:10,647,960, C>A on the plus strand (G>T on the coding strand, the complement: JAG1 is on the minus strand). VCF-style: chr20-10647960-C-A. GRCh37 (hg19) VCF-style: chr20-10628608-C-A.
Other names: short protein forms V574L.
Identifiers: ClinVar variation 834783 (VCV000834783.9), dbSNP rs2067320699, ClinGen allele CA408236696.